The following is an entry in ClinVar:

NM_212482.4(FN1):c.3289G>A (p.Glu1097Lys)

Gene: FN1 (fibronectin 1; minus strand). Cytogenetic location: 2q35.
Variant type: single nucleotide variant.
Coding change: c.3289G>A on transcript NM_212482.4 (MANE Select); coding-DNA position 3289, G replaced by A.
Protein change: p.Glu1097Lys; replaces glutamic acid 1097 with lysine.
Molecular consequence: missense variant.
Genome position (GRCh38, 1-based): chr2:215,399,316, C>T on the plus strand (G>A on the coding strand, the complement: FN1 is on the minus strand). VCF-style: chr2-215399316-C-T. GRCh37 (hg19) VCF-style: chr2-216264039-C-T.
Other names: c.3289G>A, p.Glu1097Lys (NM_001306129.2, NM_001306130.2, NM_001306131.2 and 13 more transcripts); short protein forms E1097K.
Identifiers: ClinVar variation 1049911 (VCV001049911.6), dbSNP rs753807100, ClinGen allele CA2094741.

ClinVar aggregate classification (germline): Conflicting classifications of pathogenicity. Review status: criteria provided, conflicting classifications (1 of 4 stars). 3 submissions from 3 submitters: Uncertain significance (1); Likely benign (1). 1 of the submissions does not count toward it. Last evaluated 2025-06-12.

Conditions:
Glomerulopathy with fibronectin deposits 2 (GFND2). Identifiers: Orphanet 84090, MedGen C1866075, MONDO:0011165, OMIM 601894.
Spondylometaphyseal dysplasia - Sutcliffe type. Also called: Sutcliffe type of spondylometaphyseal dysplasia; Sutcliffe SMD; Spondylometaphyseal dysplasia, 'corner fracture' type; Spondylometaphyseal Dysplasia, Corner Fracture Type. Identifiers: Orphanet 93315, MedGen C0432221, MONDO:0008479, OMIM 184255.

Allele frequency attached by ClinVar (database versions not stated): gnomAD exomes 0.00001 and 0.00003; ExAC 0.00003; gnomAD 0.00005 and 0.00006; TOPMed 0.00005.
gnomAD v4.1: 27 of 1,613,866 alleles (0.0017%); highest among the groups gnomAD compares: African/African-American, 0.019%; no homozygotes.

Submissions (3):

Labcorp Genetics (formerly Invitae), Labcorp
Classification: Likely benign. Last evaluated: 2025-06-12. Review status: criteria provided, single submitter. Criteria: Invitae Variant Classification Sherloc (09022015). Collection method: clinical testing. Allele origin: germline.

Fulgent Genetics
Classification: Uncertain significance for Spondylometaphyseal dysplasia - Sutcliffe type; Glomerulopathy with fibronectin deposits 2. Last evaluated: 2024-03-20. Review status: criteria provided, single submitter. Criteria: ACMG Guidelines, 2015. Collection method: clinical testing. Allele origin: germline.

Department of Pathology and Laboratory Medicine, Sinai Health System
Classification: Uncertain significance. Review status: no assertion criteria provided. Collection method: clinical testing. Allele origin: unknown. Affected: yes. Study: The Canadian Open Genetics Repository (COGR). Not counted in ClinVar's aggregate classification.
Comment: The FN1 p.Glu1097Lys variant was not identified in the literature nor was it identified in ClinVar or LOVD 3.0. The variant was identified in dbSNP (ID: rs753807100) and in control databases in 8 of 282710 chromosomes at a frequency of 0.0000283 (Genome Aggregation Database March 6, 2019, v2.1.1). The variant was observed in the following populations: African in 4 of 24970 chromosomes (freq: 0.00016), East Asian in 1 of 19952 chromosomes (freq: 0.00005) and European (non-Finnish) in 3 of 129038 chromosomes (freq: 0.000023), but was not observed in the Latino, Ashkenazi Jewish, European (Finnish), Other, and South Asian populations. The p.Glu1097 residue is highly conserved across mammals and other organisms and three out of five computational analyses (PolyPhen-2, SIFT, AlignGVGD, BLOSUM, MutationTaster) suggest an impact to the protein. The variant occurs outside of the splicing consensus sequence and three of four in silico or computational prediction software programs (SpliceSiteFinder, MaxEntScan, NNSPLICE, GeneSplicer) do not predict a difference in splicing. In summary, based on the above information the clinical significance of this variant cannot be determined with certainty at this time. This variant is classified as a variant of uncertain significance.